The following is an entry in ClinVar:

NM_001040108.2(MLH3):c.190G>A (p.Asp64Asn)

Gene: MLH3 (mutL homolog 3; minus strand). Cytogenetic location: 14q24.3.
Variant type: single nucleotide variant.
Coding change: c.190G>A on transcript NM_001040108.2 (MANE Select); coding-DNA position 190, G replaced by A.
Protein change: p.Asp64Asn; replaces aspartic acid 64 with asparagine.
Molecular consequence: missense variant.
Genome position (GRCh38, 1-based): chr14:75,049,466, C>T on the plus strand (G>A on the coding strand, the complement: MLH3 is on the minus strand). VCF-style: chr14-75049466-C-T. GRCh37 (hg19) VCF-style: chr14-75516169-C-T.
Other names: c.190G>A, p.Asp64Asn (NM_014381.3); short protein forms D64N.
Identifiers: ClinVar variation 4722463 (VCV004722463.1).
Genomic context (GRCh38, chr14:75,049,466, plus strand): 5'-AGTCCTGTACCGAGTGGCATTTACTGGTGAAATAACGATTTCCCACTTTCTCTACATCAT[C>T]ACTCCCCATCCCAAATCCATTGTCTATCACTTGAACTTGGAAGGTTTCCATATTCACCCT-3'
Protein context (NP_001035197.1, residues 54-74): VIDNGFGMGS[Asp64Asn]DVEKVGNRYF

ClinVar aggregate classification (germline): Uncertain significance (1 of 4 stars; one submission).

Conditions:
Colorectal cancer, hereditary nonpolyposis, type 7. Identifiers: Orphanet 144, MedGen C1858380, MONDO:0013725, OMIM 614385.

Submission:

Labcorp Genetics (formerly Invitae), Labcorp
Classification: Uncertain significance for Colorectal cancer, hereditary nonpolyposis, type 7. Last evaluated: 2025-07-02. Review status: criteria provided, single submitter. Criteria: Invitae Variant Classification Sherloc (09022015). Collection method: clinical testing. Allele origin: germline.
Comment: This sequence change replaces aspartic acid, which is acidic and polar, with asparagine, which is neutral and polar, at codon 64 of the MLH3 protein (p.Asp64Asn). This variant is not present in population databases (gnomAD no frequency). This variant has not been reported in the literature in individuals affected with MLH3-related conditions. An algorithm developed to predict the effect of missense changes on protein structure and function (PolyPhen-2) suggests that this variant is likely to be tolerated. In summary, the available evidence is currently insufficient to determine the role of this variant in disease. Therefore, it has been classified as a Variant of Uncertain Significance.